The following is an entry in ClinVar:

ClinVar aggregate classification (germline): Uncertain significance (1 of 4 stars; one submission).

Allele frequency attached by ClinVar (database versions not stated): ExAC 0.00003; gnomAD 0.00003; TOPMed 0.00004.
gnomAD v4.1: 16 of 1,613,222 alleles (0.00099%); highest among the groups gnomAD compares: African/African-American, 0.012%; no homozygotes.

Submission:

Labcorp Genetics (formerly Invitae), Labcorp
Classification: Uncertain significance. Last evaluated: 2025-05-15. Review status: criteria provided, single submitter. Criteria: Invitae Variant Classification Sherloc (09022015). Collection method: clinical testing. Allele origin: germline.
Comment: This sequence change replaces valine, which is neutral and non-polar, with methionine, which is neutral and non-polar, at codon 451 of the LIPG protein (p.Val451Met). This variant is present in population databases (rs781773640, gnomAD 0.01%). This variant has not been reported in the literature in individuals affected with LIPG-related conditions. ClinVar contains an entry for this variant (Variation ID: 2175516). An algorithm developed to predict the effect of missense changes on protein structure and function (PolyPhen-2) suggests that this variant is likely to be disruptive. In summary, the available evidence is currently insufficient to determine the role of this variant in disease. Therefore, it has been classified as a Variant of Uncertain Significance.

NM_006033.4(LIPG):c.1351G>A (p.Val451Met)

Gene: LIPG (lipase G, endothelial type; plus strand). Cytogenetic location: 18q21.1.
Variant type: single nucleotide variant.
Coding change: c.1351G>A on transcript NM_006033.4 (MANE Select); coding-DNA position 1351, G replaced by A.
Protein change: p.Val451Met; replaces valine 451 with methionine.
Molecular consequence: missense variant.
Genome position (GRCh38, 1-based): chr18:49,583,749, G>A. VCF-style: chr18-49583749-G-A. GRCh37 (hg19) VCF-style: chr18-47110119-G-A.
Other names: c.1129G>A, p.Val377Met (NM_001308006.2); short protein forms V377M, V451M.
Identifiers: ClinVar variation 2175516 (VCV002175516.4), dbSNP rs781773640, ClinGen allele CA8959365.